The following is an entry in ClinVar:

NM_006580.4(CLDN16):c.-45del

Gene: CLDN16 (claudin 16; plus strand). Cytogenetic location: 3q28.
Variant type: Deletion.
Coding change: c.-45del on transcript NM_006580.4 (MANE Select); 45 bases upstream of the start codon, one base deleted (G; older notation c.-45delG).
Molecular consequence: 5 prime UTR variant.
Genome position (GRCh38, 1-based): chr3:190,388,285, G deleted; the last of 3 consecutive G bases (chr3:190,388,283-190,388,285); deleting any one gives the same sequence. VCF-style (leftmost placement, unchanged base first): chr3-190388282-AG-A. GRCh37 (hg19) VCF-style: chr3-190106071-AG-A.
Other names: p.Ala56Leufs*16; c.166delG (NM_006580.3); c.164del (NM_006580.3); c.-45del (NM_001378492.1, NM_001378493.1); short protein forms A56fs.
Identifiers: ClinVar variation 282608 (VCV000282608.26), dbSNP rs368234054, ClinGen allele CA2753709.

ClinVar aggregate classification (germline): Benign/Likely benign. Review status: criteria provided, multiple submitters, no conflicts (2 of 4 stars). 8 submissions from 8 submitters: Benign (7); Likely benign (1). Last evaluated 2026-02-04.

Conditions:
Primary hypomagnesemia (HOMG3). Also called: HYPOMAGNESEMIA 3, RENAL; HYPOMAGNESEMIA, FAMILIAL, WITH HYPERCALCIURIA AND NEPHROCALCINOSIS; HYPOMAGNESEMIA, ISOLATED RENAL; HYPOMAGNESEMIA, PRIMARY, DUE TO DEFECT IN RENAL TUBULAR TRANSPORT OF MAGNESIUM. Identifiers: Orphanet 31043, MedGen C0268448, MONDO:0009550, OMIM 248250.

Submissions (8):

Labcorp Genetics (formerly Invitae), Labcorp
Classification: Benign. Last evaluated: 2026-02-04. Review status: criteria provided, single submitter. Criteria: Invitae Variant Classification Sherloc (09022015). Collection method: clinical testing. Allele origin: germline.

Blueprint Genetics
Classification: Likely benign. Last evaluated: 2024-11-26. Review status: criteria provided, single submitter. Criteria: ACMG Guidelines, 2015. Collection method: clinical testing. Allele origin: germline.

Mayo Clinic Laboratories, Mayo Clinic
Classification: Benign. Last evaluated: 2023-01-12. Review status: criteria provided, single submitter. Criteria: ACMG Guidelines, 2015. Collection method: clinical testing. Allele origin: germline. Observed: 56 variant alleles.
Comment: BA1, BS2_stand-alone

Genome-Nilou Lab
Classification: Benign for Primary hypomagnesemia. Last evaluated: 2021-07-22. Review status: criteria provided, single submitter. Criteria: ACMG Guidelines, 2015. Collection method: clinical testing. Allele origin: germline. Affected: no.

Fulgent Genetics
Classification: Benign for Primary hypomagnesemia. Last evaluated: 2021-07-20. Review status: criteria provided, single submitter. Criteria: ACMG Guidelines, 2015. Collection method: clinical testing. Allele origin: unknown.

GeneDx
Classification: Benign. Last evaluated: 2020-01-11. Review status: criteria provided, single submitter. Criteria: GeneDx Variant Classification Process June 2021. Collection method: clinical testing. Allele origin: germline. Affected: yes.

Laboratory for Molecular Medicine, Mass General Brigham Personalized Medicine
Classification: Benign. Last evaluated: 2016-02-10. Review status: criteria provided, single submitter. Criteria: LMM Criteria. Collection method: clinical testing. Allele origin: germline. Observed: 1 variant allele.
Comment: p.Arg56fs in exon 1 of CLDN16: This variant is not expected to have clinical sig nificance because it has been identified in 25% (16723/66656) of European chromo somes by the Exome Aggregation Consortium (ExAC) . This variant only occurs in cis with c.166G>C to create combined c.165_166del insC variant. Variant has ~19% MAF. Gene uses a downstream start site (Met71)

Eurofins Ntd Llc (ga)
Classification: Benign. Last evaluated: 2015-09-14. Review status: criteria provided, single submitter. Criteria: EGL Classification Definitions 2015. Collection method: clinical testing. Allele origin: germline. Observed: 1 variant allele, 1 heterozygote.

Literature cited by the submitters: PubMed 26141664 (cited by Mayo Clinic Laboratories, Mayo Clinic); PubMed 31949730 (cited by Mayo Clinic Laboratories, Mayo Clinic).